The following is an entry in ClinVar:

ClinVar aggregate classification (germline): Uncertain significance. Review status: criteria provided, multiple submitters, no conflicts (2 of 4 stars). 2 submissions from 2 submitters: Uncertain significance (2). Last evaluated 2024-10-15.

Allele frequency attached by ClinVar (database versions not stated): gnomAD 0.00002 and 0.00012; TOPMed 0.00002; ESP Exome Variant Server 0.00008; gnomAD exomes 0.00018 and 0.00026; ExAC 0.00034.
gnomAD v4.1: 289 of 1,614,124 alleles (0.018%); highest among the groups gnomAD compares: Middle Eastern, 1.2%; 9 homozygotes.

Submissions (2):

Labcorp Genetics (formerly Invitae), Labcorp
Classification: Uncertain significance. Last evaluated: 2024-10-15. Review status: criteria provided, single submitter. Criteria: Invitae Variant Classification Sherloc (09022015). Collection method: clinical testing. Allele origin: germline.
Comment: This sequence change replaces serine, which is neutral and polar, with threonine, which is neutral and polar, at codon 723 of the ROR1 protein (p.Ser723Thr). The frequency data for this variant in the population databases is considered unreliable, as metrics indicate poor data quality at this position in the gnomAD database. This variant has not been reported in the literature in individuals affected with ROR1-related conditions. ClinVar contains an entry for this variant (Variation ID: 1500805). Invitae Evidence Modeling of protein sequence and biophysical properties (such as structural, functional, and spatial information, amino acid conservation, physicochemical variation, residue mobility, and thermodynamic stability) indicates that this missense variant is not expected to disrupt ROR1 protein function with a negative predictive value of 80%. In summary, the available evidence is currently insufficient to determine the role of this variant in disease. Therefore, it has been classified as a Variant of Uncertain Significance.

Ambry Genetics
Classification: Uncertain significance. Last evaluated: 2021-07-06. Review status: criteria provided, single submitter. Criteria: Ambry Variant Classification Scheme 2023. Collection method: clinical testing. Allele origin: germline.

NM_005012.4(ROR1):c.2168G>C (p.Ser723Thr)

Gene: ROR1 (receptor tyrosine kinase like orphan receptor 1; plus strand). Cytogenetic location: 1p31.3.
Variant type: single nucleotide variant.
Coding change: c.2168G>C on transcript NM_005012.4 (MANE Select); coding-DNA position 2168, G replaced by C.
Protein change: p.Ser723Thr; replaces serine 723 with threonine.
Molecular consequence: missense variant.
Genome position (GRCh38, 1-based): chr1:64,178,209, G>C. VCF-style: chr1-64178209-G-C. GRCh37 (hg19) VCF-style: chr1-64643892-G-C.
Other names: c.2168G>C (NM_005012.2); short protein forms S723T.
Identifiers: ClinVar variation 1500805 (VCV001500805.7), dbSNP rs371601159, ClinGen allele CA890382.